The following is an entry in ClinVar:

ClinVar aggregate classification (germline): Benign (1 of 4 stars; one submission).

Allele frequency attached by ClinVar (database versions not stated): 1000 Genomes Project 0.00120; 1000 Genomes Project 30x 0.00172; TOPMed 0.00269; gnomAD 0.00276.
gnomAD v4.1: 420 of 152,138 alleles (0.28%); highest among the groups gnomAD compares: South Asian, 0.48%; 1 homozygote.

Submission:

CeGaT Center for Human Genetics Tuebingen
Classification: Benign. Last evaluated: 2022-08-01. Review status: criteria provided, single submitter. Criteria: CeGaT Center For Human Genetics Tuebingen Variant Classification Criteria Version 2. Collection method: clinical testing. Allele origin: germline. Affected: yes. Observed: 1 variant allele.
Comment: HOXD13: BS1, BS2

NC_000002.12:g.176088561C>T

Gene: HOXD13 (homeobox D13; plus strand). Cytogenetic location: 2q31.1.
Variant type: single nucleotide variant.
Genome position: GRCh38 VCF-style: chr2-176088561-C-T. GRCh37 (hg19) VCF-style: chr2-176953289-C-T.
Identifiers: ClinVar variation 1711510 (VCV001711510.30), dbSNP rs185086675, ClinGen allele CA60842442.
Genomic context (GRCh38, chr2:176,088,561, plus strand): 5'-TGCGCGCCGCCGGGCCGGGAAGTGGAGCCGAACACTGCCCCTCCGCCTCCCTTTCGGCTC[C>T]CCCCTTCGTGCTTGGGCACTTTCCTCACCTTCATCCCTTTGCCCTGCCGGTAAGGACAAT-3'